The following is an entry in ClinVar:

NM_024580.6(EFL1):c.989G>A (p.Arg330Gln)

Gene: EFL1 (elongation factor like GTPase 1; minus strand). Cytogenetic location: 15q25.2.
Variant type: single nucleotide variant.
Coding change: c.989G>A on transcript NM_024580.6 (MANE Select); coding-DNA position 989, G replaced by A.
Protein change: p.Arg330Gln; replaces arginine 330 with glutamine.
Molecular consequence: missense variant. On other transcripts: non-coding transcript variant (1).
Genome position (GRCh38, 1-based): chr15:82,228,271, C>T on the plus strand (G>A on the coding strand, the complement: EFL1 is on the minus strand). VCF-style: chr15-82228271-C-T. GRCh37 (hg19) VCF-style: chr15-82520612-C-T.
Other names: c.836G>A, p.Arg279Gln (NM_001040610.3); c.200G>A, p.Arg67Gln (NM_001322844.2); c.989G>A, p.Arg330Gln (NM_001322845.2); short protein forms R279Q, R330Q, R67Q.
Identifiers: ClinVar variation 2417245 (VCV002417245.3), dbSNP rs759119243, ClinGen allele CA7698126.

ClinVar aggregate classification (germline): Uncertain significance (1 of 4 stars; one submission).

Allele frequency attached by ClinVar (database versions not stated): gnomAD 0.00001; TOPMed 0.00001; gnomAD exomes 0.00002; ExAC 0.00003.

Submission:

Labcorp Genetics (formerly Invitae), Labcorp
Classification: Uncertain significance. Last evaluated: 2022-05-15. Review status: criteria provided, single submitter. Criteria: Invitae Variant Classification Sherloc (09022015). Collection method: clinical testing. Allele origin: germline.
Comment: This sequence change replaces arginine, which is basic and polar, with glutamine, which is neutral and polar, at codon 330 of the EFL1 protein (p.Arg330Gln). This variant is present in population databases (rs759119243, gnomAD 0.004%). This variant has not been reported in the literature in individuals affected with EFL1-related conditions. Algorithms developed to predict the effect of missense changes on protein structure and function are either unavailable or do not agree on the potential impact of this missense change (SIFT: "Deleterious"; PolyPhen-2: "Probably Damaging"; Align-GVGD: "Class C0"). In summary, the available evidence is currently insufficient to determine the role of this variant in disease. Therefore, it has been classified as a Variant of Uncertain Significance.